The following is an entry in ClinVar:

ClinVar aggregate classification (germline): Pathogenic. Review status: criteria provided, multiple submitters, no conflicts (2 of 4 stars). 5 submissions from 5 submitters: Pathogenic (5). Last evaluated 2025-03-16.

Conditions:
Fanconi anemia (FA). Also called: Fanconi's anemia. Identifiers: Orphanet 84, MedGen C0015625, MeSH D005199, MONDO:0019391.
Fanconi anemia complementation group G. Also called: Fanconi anemia group G; FANCG-Related Fanconi Anemia. Identifiers: Orphanet 84, MedGen C3469527, MONDO:0013565, OMIM 614082.
FANCG-related disorders.

Submissions (5):

Labcorp Genetics (formerly Invitae), Labcorp
Classification: Pathogenic for Fanconi anemia. Last evaluated: 2025-03-16. Review status: criteria provided, single submitter. Criteria: Invitae Variant Classification Sherloc (09022015). Collection method: clinical testing. Allele origin: germline.
Comment: This sequence change creates a premature translational stop signal (p.Arg113Glyfs*39) in the FANCG gene. It is expected to result in an absent or disrupted protein product. Loss-of-function variants in FANCG are known to be pathogenic (PMID: 12552564). This variant is not present in population databases (gnomAD no frequency). This premature translational stop signal has been observed in individual(s) with FANCG-related conditions (PMID: 24584348). ClinVar contains an entry for this variant (Variation ID: 1368148). For these reasons, this variant has been classified as Pathogenic.

Blueprint Genetics
Classification: Pathogenic for FANCG-related disorders. Last evaluated: 2024-07-31. Review status: criteria provided, single submitter. Criteria: ACMG Guidelines, 2015. Collection method: clinical testing. Allele origin: germline. Affected: yes. Observed: 1 variant allele.

Genetic Services Laboratory, University of Chicago
Classification: Pathogenic. Last evaluated: 2024-02-21. Review status: criteria provided, single submitter. Criteria: ACMG Guidelines, 2015. Collection method: clinical testing. Allele origin: germline. Affected: yes.
Comment: DNA sequence analysis of the FANCG gene demonstrated a single base pair deletion in exon 4, c.336del. This sequence change results in an amino acid frameshift and creates a premature stop codon 39 amino acids downstream of the change, p.Arg113Glyfs*39. This sequence change is predicted to result in an abnormal transcript, which may be degraded, or may lead to the production of a truncated FANCG protein with potentially abnormal function. The c.336del sequence change has not been described in population databases such as ExAC and gnomAD. This pathogenic sequence change has previously been described in the homozygous state in an individual with Fanconi anemia (PMID: 24584348). Collectively, this evidence indicates that this sequence change is pathogenic, however functional studies have not been performed to prove this conclusively.

Women's Health and Genetics/Laboratory Corporation of America, LabCorp
Classification: Pathogenic for Fanconi anemia. Last evaluated: 2023-12-11. Review status: criteria provided, single submitter. Criteria: LabCorp Variant Classification Summary - May 2015. Collection method: clinical testing. Allele origin: germline.
Comment: Variant summary: FANCG c.336delC (p.Arg113GlyfsX39) results in a premature termination codon, predicted to cause a truncation of the encoded protein or absence of the protein due to nonsense mediated decay, which are commonly known mechanisms for disease. The variant was absent in 250294 control chromosomes. c.336delC has been reported in the literature in at least one individual affected with Fanconi Anemia (De Rocco_2014). To our knowledge, no experimental evidence demonstrating an impact on protein function has been reported. The following publication has been ascertained in the context of this evaluation (PMID: 24584348). One submitter has cited clinical-significance assessments for this variant to ClinVar after 2014 and has classified the variant as pathogenic. Based on the evidence outlined above, the variant was classified as pathogenic.

Baylor Genetics
Classification: Pathogenic for Fanconi anemia complementation group G. Last evaluated: 2023-09-06. Review status: criteria provided, single submitter. Criteria: ACMG Guidelines, 2015. Collection method: clinical testing. Allele origin: unknown.

Literature cited by the submitters: PubMed 12552564 (cited by Labcorp Genetics (formerly Invitae), Labcorp); PubMed 24584348 (cited by Labcorp Genetics (formerly Invitae), Labcorp and Women's Health and Genetics/Laboratory Corporation of America, LabCorp).

NM_004629.2(FANCG):c.336del (p.Arg113fs)

Gene: FANCG (FA complementation group G; minus strand). Cytogenetic location: 9p13.3.
Variant type: Deletion.
Coding change: c.336del on transcript NM_004629.2 (MANE Select); coding-DNA position 336, one base deleted (C; older notation c.336delC).
Protein change: p.Arg113fs; shifts the reading frame from arginine 113.
Molecular consequence: frameshift variant.
Genome position (GRCh38, 1-based): chr9:35,078,315, G deleted on the plus strand (C on the coding strand, the reverse complement: FANCG is on the minus strand); the first of 3 consecutive G bases (chr9:35,078,315-35,078,317); deleting any one gives the same sequence. VCF-style (leftmost placement, unchanged base first): chr9-35078314-TG-T. GRCh37 (hg19) VCF-style: chr9-35078311-TG-T.
Other names: c.336del (NM_004629.1); c.336delC (NM_004629.2); short protein forms R113fs.
Identifiers: ClinVar variation 1368148 (VCV001368148.11), dbSNP rs2131058595, ClinGen allele CA2573144522.